The following is an entry in ClinVar:

NM_001354930.2(RIPK1):c.758C>T (p.Thr253Ile)

Gene: RIPK1 (receptor interacting serine/threonine kinase 1; plus strand). Cytogenetic location: 6p25.2.
Variant type: single nucleotide variant.
Coding change: c.758C>T on transcript NM_001354930.2 (MANE Select); coding-DNA position 758, C replaced by T.
Protein change: p.Thr253Ile; replaces threonine 253 with isoleucine.
Molecular consequence: missense variant.
Genome position (GRCh38, 1-based): chr6:3,085,328, C>T. VCF-style: chr6-3085328-C-T. GRCh37 (hg19) VCF-style: chr6-3085562-C-T.
Other names: c.269C>T, p.Thr90Ile (NM_001317061.3, NM_001354932.2, NM_001354933.2 and 1 more transcripts); c.620C>T, p.Thr207Ile (NM_001354931.2); c.758C>T, p.Thr253Ile (NM_003804.6); short protein forms T90I, T253I, T207I.
Identifiers: ClinVar variation 4773745 (VCV004773745.1).

ClinVar aggregate classification (germline): Uncertain significance (1 of 4 stars; one submission).

gnomAD v4.1: 18 of 1,614,190 alleles (0.0011%); highest among the groups gnomAD compares: Non-Finnish European, 0.0015%; no homozygotes.

Submission:

Labcorp Genetics (formerly Invitae), Labcorp
Classification: Uncertain significance. Last evaluated: 2025-12-09. Review status: criteria provided, single submitter. Criteria: Invitae Variant Classification Sherloc (09022015). Collection method: clinical testing. Allele origin: germline.
Comment: This sequence change replaces threonine, which is neutral and polar, with isoleucine, which is neutral and non-polar, at codon 253 of the RIPK1 protein (p.Thr253Ile). This variant is present in population databases (rs754232528, gnomAD 0.003%). This variant has not been reported in the literature in individuals affected with RIPK1-related conditions. An algorithm developed to predict the effect of missense changes on protein structure and function outputs the following: PolyPhen-2: "Benign". The isoleucine amino acid residue is found in multiple mammalian species, which suggests that this missense change does not adversely affect protein function. In summary, the available evidence is currently insufficient to determine the role of this variant in disease. Therefore, it has been classified as a Variant of Uncertain Significance.